The following is an entry in ClinVar:

NM_000046.5(ARSB):c.101C>T (p.Pro34Leu)

Genes: ARSB (arylsulfatase B; minus strand), LOC129994126 (ATAC-STARR-seq lymphoblastoid silent region 16127; plus strand). Cytogenetic location: 5q14.1.
Variant type: single nucleotide variant.
Coding change: c.101C>T on transcript NM_000046.5 (MANE Select); coding-DNA position 101, C replaced by T.
Protein change: p.Pro34Leu; replaces proline 34 with leucine.
Molecular consequence: missense variant.
Genome position (GRCh38, 1-based): chr5:78,985,148, G>A on the plus strand (C>T on the coding strand, the complement: ARSB is on the minus strand). VCF-style: chr5-78985148-G-A. GRCh37 (hg19) VCF-style: chr5-78280971-G-A.
Other names: c.101C>T, p.Pro34Leu (NM_198709.3); short protein forms P34L.
Identifiers: ClinVar variation 1049153 (VCV001049153.1), dbSNP rs1753125870, ClinGen allele CA360197124.

ClinVar aggregate classification (germline): Uncertain significance (0 of 4 stars; one submission).

Allele frequency attached by ClinVar (database versions not stated): gnomAD exomes below 0.00001.
gnomAD v4.1: 1 of 1,457,690 alleles (0.000069%); highest among the groups gnomAD compares: Admixed American, 0.0024%; no homozygotes.

Submission:

Department of Pathology and Laboratory Medicine, Sinai Health System
Classification: Uncertain significance. Review status: no assertion criteria provided. Collection method: clinical testing. Allele origin: unknown. Affected: yes. Study: The Canadian Open Genetics Repository (COGR).
Comment: The ARSB p.P34L variant was not identified in the literature nor was it identified in dbSNP, ClinVar or in the following control databases: the 1000 Genomes Project, the NHLBI GO Exome Sequencing Project, or the Genome Aggregation Database (March 6, 2019, v2.1.1). The p.P34 residue is not conserved in mammals and computational analyses (MUT Assesor, PolyPhen-2, SIFT, MutationTaster, Revel, FATHMM, MetaLR, DANN) provide inconsistent predictions regarding the impact to the protein; this information is not very predictive of pathogenicity. The variant occurs outside of the splicing consensus sequence and in silico or computational prediction software programs (Splice AI exome) do not predict a difference in splicing. In summary, based on the above information the clinical significance of this variant cannot be determined with certainty at this time. This variant is classified as a variant of uncertain significance.